The following is an entry in ClinVar:

ClinVar aggregate classification (germline): Benign/Likely benign. Review status: criteria provided, multiple submitters, no conflicts (2 of 4 stars). 7 submissions from 7 submitters: Benign (4); Likely benign (3). Last evaluated 2026-01-05.

Conditions:
LRSAM1-related disorder. Also called: LRSAM1-related condition.
Charcot-Marie-Tooth disease axonal type 2P. Also called: CHARCOT-MARIE-TOOTH NEUROPATHY, TYPE 2P; Charcot-Marie-Tooth Neuropathy Type 2G; CHARCOT-MARIE-TOOTH DISEASE, AXONAL, TYPE 2G; CMT 2G. Identifiers: Orphanet 300319, Orphanet 99941, MedGen C3280797, MONDO:0013753, OMIM 614436.

Allele frequency attached by ClinVar (database versions not stated): ESP Exome Variant Server 0.00054; TOPMed 0.00057; 1000 Genomes Project 30x 0.00172; gnomAD exomes 0.00215 and 0.00447; 1000 Genomes Project 0.00220; gnomAD 0.00342 and 0.00345; ExAC 0.00408.

Submissions (7):

Labcorp Genetics (formerly Invitae), Labcorp
Classification: Benign for Charcot-Marie-Tooth disease axonal type 2P. Last evaluated: 2026-01-05. Review status: criteria provided, single submitter. Criteria: Invitae Variant Classification Sherloc (09022015). Collection method: clinical testing. Allele origin: germline.

PreventionGenetics, part of Exact Sciences
Classification: Likely benign for LRSAM1-related condition. Last evaluated: 2025-04-03. Review status: criteria provided, single submitter. Criteria: ACMG Guidelines, 2015. Collection method: clinical testing. Allele origin: germline.
Comment: This variant is classified as likely benign based on ACMG/AMP sequence variant interpretation guidelines (Richards et al. 2015 PMID: 25741868, with internal and published modifications).

ARUP Laboratories, Molecular Genetics and Genomics, ARUP Laboratories
Classification: Benign for Charcot-Marie-Tooth disease axonal type 2P. Last evaluated: 2025-03-12. Review status: criteria provided, single submitter. Criteria: ARUP Molecular Germline Variant Investigation Process 2024. Collection method: clinical testing. Allele origin: germline.

Blueprint Genetics
Classification: Likely benign. Last evaluated: 2024-11-25. Review status: criteria provided, single submitter. Criteria: ACMG Guidelines, 2015. Collection method: clinical testing. Allele origin: germline.

CeGaT Center for Human Genetics Tuebingen
Classification: Likely benign. Last evaluated: 2023-03-01. Review status: criteria provided, single submitter. Criteria: CeGaT Center For Human Genetics Tuebingen Variant Classification Criteria Version 2. Collection method: clinical testing. Allele origin: germline. Affected: yes. Observed: 2 variant alleles.
Comment: LRSAM1: BS2

Illumina Laboratory Services, Illumina
Classification: Benign for Charcot-Marie-Tooth disease axonal type 2P. Last evaluated: 2018-01-13. Review status: criteria provided, single submitter. Criteria: ICSL Variant Classification Criteria 13 December 2019. Collection method: clinical testing. Allele origin: germline.
Comment: This variant was observed in the ICSL laboratory as part of a predisposition screen in an ostensibly healthy population. It had not been previously curated by ICSL or reported in the Human Gene Mutation Database (HGMD: prior to June 1st, 2018), and was therefore a candidate for classification through an automated scoring system. Utilizing variant allele frequency, disease prevalence and penetrance estimates, and inheritance mode, an automated score was calculated to assess if this variant is too frequent to cause the disease. Based on the score and internal cut-off values, a variant classified as benign is not then subjected to further curation. The score for this variant resulted in a classification of benign for this disease.

GeneDx
Classification: Benign. Last evaluated: 2017-09-14. Review status: criteria provided, single submitter. Criteria: GeneDx Variant Classification (06012015). Collection method: clinical testing. Allele origin: germline. Affected: yes.
Comment: This variant is considered likely benign or benign based on one or more of the following criteria: it is a conservative change, it occurs at a poorly conserved position in the protein, it is predicted to be benign by multiple in silico algorithms, and/or has population frequency not consistent with disease.

NM_001005373.4(LRSAM1):c.1975G>A (p.Val659Met)

Gene: LRSAM1 (leucine rich repeat and sterile alpha motif containing 1; plus strand). Cytogenetic location: 9q34.11.
Variant type: single nucleotide variant.
Coding change: c.1975G>A on transcript NM_001005373.4 (MANE Select); coding-DNA position 1975, G replaced by A.
Protein change: p.Val659Met; replaces valine 659 with methionine.
Molecular consequence: missense variant. On other transcripts: non-coding transcript variant (2).
Genome position (GRCh38, 1-based): chr9:127,501,072, G>A. VCF-style: chr9-127501072-G-A. GRCh37 (hg19) VCF-style: chr9-130263351-G-A.
Other names: c.1975G>A, p.Val659Met (NM_001005374.4, NM_001384142.1, NM_138361.5); c.1894G>A, p.Val632Met (NM_001190723.3); c.1876G>A, p.Val626Met (NM_001384143.1); c.1186G>A, p.Val396Met (NM_001384144.1); short protein forms V659M, V632M, V396M, V626M.
Identifiers: ClinVar variation 246184 (VCV000246184.42), dbSNP rs140786088, ClinGen allele CA5247217.